The following is an entry in ClinVar:

ClinVar aggregate classification (germline): Uncertain significance (1 of 4 stars; one submission).

Conditions:
Familial cold autoinflammatory syndrome 3 (FCAS3). Also called: FAMILIAL ATYPICAL COLD URTICARIA; ANTIBODY DEFICIENCY AND IMMUNE DYSREGULATION, PLCG2-ASSOCIATED. Identifiers: Orphanet 300359, MedGen C3280914, MONDO:0013766, OMIM 614468.

Allele frequency attached by ClinVar (database versions not stated): gnomAD exomes below 0.00001; gnomAD 0.00001; TOPMed 0.00001.
gnomAD v4.1: 6 of 1,613,328 alleles (0.00037%); highest among the groups gnomAD compares: African/African-American, 0.0027%; no homozygotes.

Submission:

Labcorp Genetics (formerly Invitae), Labcorp
Classification: Uncertain significance for Familial cold autoinflammatory syndrome 3. Last evaluated: 2021-11-01. Review status: criteria provided, single submitter. Criteria: Invitae Variant Classification Sherloc (09022015). Collection method: clinical testing. Allele origin: germline.
Comment: This sequence change replaces alanine, which is neutral and non-polar, with valine, which is neutral and non-polar, at codon 112 of the PLCG2 protein (p.Ala112Val). This variant is present in population databases (no rsID available, gnomAD 0.004%). This variant has not been reported in the literature in individuals affected with PLCG2-related conditions. Algorithms developed to predict the effect of missense changes on protein structure and function (SIFT, PolyPhen-2, Align-GVGD) all suggest that this variant is likely to be tolerated. Algorithms developed to predict the effect of sequence changes on RNA splicing suggest that this variant may create or strengthen a splice site. In summary, the available evidence is currently insufficient to determine the role of this variant in disease. Therefore, it has been classified as a Variant of Uncertain Significance.

NM_002661.5(PLCG2):c.335C>T (p.Ala112Val)

Gene: PLCG2 (phospholipase C gamma 2; plus strand). Cytogenetic location: 16q23.3.
Variant type: single nucleotide variant.
Coding change: c.335C>T on transcript NM_002661.5 (MANE Select); coding-DNA position 335, C replaced by T.
Protein change: p.Ala112Val; replaces alanine 112 with valine.
Molecular consequence: missense variant.
Genome position (GRCh38, 1-based): chr16:81,854,585, C>T. VCF-style: chr16-81854585-C-T. GRCh37 (hg19) VCF-style: chr16-81888190-C-T.
Other names: short protein forms A112V.
Identifiers: ClinVar variation 1435657 (VCV001435657.1), dbSNP rs1329320173, ClinGen allele CA396900754.